The following is an entry in ClinVar:

ClinVar aggregate classification (germline): Uncertain significance (1 of 4 stars; one submission).

Conditions:
Hereditary cancer-predisposing syndrome. Also called: Tumor predisposition; Hereditary neoplastic syndrome; Neoplastic Syndromes, Hereditary; Hereditary Cancer Syndrome. Identifiers: Orphanet 140162, MedGen C0027672, MeSH D009386, MONDO:0015356.

Submission:

Ambry Genetics
Classification: Uncertain significance for Hereditary cancer-predisposing syndrome. Last evaluated: 2025-06-03. Review status: criteria provided, single submitter. Criteria: Ambry Variant Classification Scheme 2023. Collection method: clinical testing. Allele origin: germline.
Comment: The p.L718P variant (also known as c.2153T>C), located in coding exon 18 of the EGFR gene, results from a T to C substitution at nucleotide position 2153. The leucine at codon 718 is replaced by proline, an amino acid with similar properties. This amino acid position is highly conserved in available vertebrate species. In addition, this alteration is predicted to be deleterious by in silico analysis. Based on the available evidence, the clinical significance of this variant remains unclear.

NM_005228.5(EGFR):c.2153T>C (p.Leu718Pro)

Gene: EGFR (epidermal growth factor receptor; plus strand). Cytogenetic location: 7p11.2.
Variant type: single nucleotide variant.
Coding change: c.2153T>C on transcript NM_005228.5 (MANE Select); coding-DNA position 2153, T replaced by C.
Protein change: p.Leu718Pro; replaces leucine 718 with proline.
Molecular consequence: missense variant.
Genome position (GRCh38, 1-based): chr7:55,174,012, T>C. VCF-style: chr7-55174012-T-C. GRCh37 (hg19) VCF-style: chr7-55241705-T-C.
Other names: c.2018T>C, p.Leu673Pro (NM_001346897.2, NM_001346899.2); c.2153T>C, p.Leu718Pro (NM_001346898.2); c.1994T>C, p.Leu665Pro (NM_001346900.2); c.1352T>C, p.Leu451Pro (NM_001346941.2); short protein forms L665P, L718P, L451P, L673P.
Identifiers: ClinVar variation 4016782 (VCV004016782.1).